The following is an entry in ClinVar:

NM_018834.6(MATR3):c.2207A>C (p.Lys736Thr)

Gene: MATR3 (matrin 3; plus strand). Cytogenetic location: 5q31.2.
Variant type: single nucleotide variant.
Coding change: c.2207A>C on transcript NM_018834.6 (MANE Select); coding-DNA position 2207, A replaced by C.
Protein change: p.Lys736Thr; replaces lysine 736 with threonine.
Molecular consequence: missense variant.
Genome position (GRCh38, 1-based): chr5:139,325,498, A>C. VCF-style: chr5-139325498-A-C. GRCh37 (hg19) VCF-style: chr5-138661187-A-C.
Other names: c.2207A>C, p.Lys736Thr (NM_001194954.2, NM_001194955.2, NM_001400447.1 and 11 more transcripts); c.1343A>C, p.Lys448Thr (NM_001194956.2); c.1193A>C, p.Lys398Thr (NM_001282278.2, NM_001400462.1, NM_001400463.1 and 4 more transcripts); c.2351A>C, p.Lys784Thr (NM_001400441.1, NM_001400442.1, NM_001400443.1 and 2 more transcripts); c.1346A>C, p.Lys449Thr (NM_001400459.1); c.1337A>C, p.Lys446Thr (NM_001400460.1); c.1307A>C, p.Lys436Thr (NM_001400461.1); short protein forms K398T, K436T, K446T, K448T, K449T, K736T, K784T.
Identifiers: ClinVar variation 3370641 (VCV003370641.1).

ClinVar aggregate classification (germline): Uncertain significance (1 of 4 stars; one submission).

Submission:

GeneDx
Classification: Uncertain significance. Last evaluated: 2024-03-06. Review status: criteria provided, single submitter. Criteria: GeneDx Variant Classification Process June 2021. Collection method: clinical testing. Allele origin: germline. Affected: yes.
Comment: Not observed at significant frequency in large population cohorts (gnomAD); In silico analysis supports that this missense variant does not alter protein structure/function; Has not been previously published as pathogenic or benign to our knowledge